The following is an entry in ClinVar:

ClinVar aggregate classification (germline): Uncertain significance (1 of 4 stars; one submission).

Allele frequency attached by ClinVar (database versions not stated): gnomAD exomes below 0.00001; TOPMed below 0.00001; gnomAD 0.00001.
gnomAD v4.1: 3 of 1,601,776 alleles (0.00019%); highest among the groups gnomAD compares: African/African-American, 0.0013%; no homozygotes.

Submission:

Labcorp Genetics (formerly Invitae), Labcorp
Classification: Uncertain significance. Last evaluated: 2022-10-25. Review status: criteria provided, single submitter. Criteria: Invitae Variant Classification Sherloc (09022015). Collection method: clinical testing. Allele origin: germline.
Comment: This sequence change replaces alanine, which is neutral and non-polar, with valine, which is neutral and non-polar, at codon 534 of the SLC44A4 protein (p.Ala534Val). In summary, the available evidence is currently insufficient to determine the role of this variant in disease. Therefore, it has been classified as a Variant of Uncertain Significance. Advanced modeling of protein sequence and biophysical properties (such as structural, functional, and spatial information, amino acid conservation, physicochemical variation, residue mobility, and thermodynamic stability) performed at Invitae indicates that this missense variant is not expected to disrupt SLC44A4 protein function. This variant has not been reported in the literature in individuals affected with SLC44A4-related conditions. This variant is present in population databases (no rsID available, gnomAD 0.007%).

NM_025257.3(SLC44A4):c.1601C>T (p.Ala534Val)

Gene: SLC44A4 (solute carrier family 44 member 4; minus strand). Cytogenetic location: 6p21.33.
Variant type: single nucleotide variant.
Coding change: c.1601C>T on transcript NM_025257.3 (MANE Select); coding-DNA position 1601, C replaced by T.
Protein change: p.Ala534Val; replaces alanine 534 with valine.
Molecular consequence: missense variant.
Genome position (GRCh38, 1-based): chr6:31,865,583, G>A on the plus strand (C>T on the coding strand, the complement: SLC44A4 is on the minus strand). VCF-style: chr6-31865583-G-A. GRCh37 (hg19) VCF-style: chr6-31833360-G-A.
Other names: c.1475C>T, p.Ala492Val (NM_001178044.2); c.1373C>T, p.Ala458Val (NM_001178045.2); c.1601C>T, p.Ala534Val (NM_032794.1); short protein forms A534V, A492V, A458V.
Identifiers: ClinVar variation 1953504 (VCV001953504.5), dbSNP rs939852159, ClinGen allele CA136930158.
Genomic context (GRCh38, chr6:31,865,583, plus strand): 5'-AACTTGATAAATTTTTCCAGACACCAGAGGCAGCACTTGAAACAGCACATGATGCAGCGG[G>A]CTACAGGGTTCTGCACTCCTGGGAGCGAGGAAGGCTCATGTTTGGTCACTGCCCCTCCCT-3'
Protein context (NP_079533.2, residues 524-544): HKLRGVQNPV[Ala534Val]RCIMCCFKCC